The following is an entry in ClinVar:

ClinVar aggregate classification (germline): Uncertain significance. Review status: criteria provided, multiple submitters, no conflicts (2 of 4 stars). 3 submissions from 3 submitters: Uncertain significance (3). Last evaluated 2025-01-28.

Conditions:
Inborn genetic diseases. Identifiers: MedGen C0950123, MeSH D030342.
Alagille syndrome due to a NOTCH2 point mutation. Also called: Alagille syndrome 2. Identifiers: Orphanet 261629, Orphanet 52, MedGen C1857761, MONDO:0012439, OMIM 610205.
Hajdu-Cheney syndrome (HJCYS). Also called: ACROOSTEOLYSIS WITH OSTEOPOROSIS AND CHANGES IN SKULL AND MANDIBLE; Acroosteolysis dominant type; SERPENTINE FIBULA-POLYCYSTIC KIDNEY SYNDROME. Identifiers: Orphanet 955, MedGen C0917715, MONDO:0007057, OMIM 102500.

gnomAD v4.1: 4 of 1,614,126 alleles (0.00025%); highest among the groups gnomAD compares: Admixed American, 0.0033%; no homozygotes.

Submissions (3):

Ambry Genetics
Classification: Uncertain significance for Inborn genetic diseases. Last evaluated: 2025-01-28. Review status: criteria provided, single submitter. Criteria: Ambry Variant Classification Scheme 2023. Collection method: clinical testing. Allele origin: germline.

Fulgent Genetics
Classification: Uncertain significance for Hajdu-Cheney syndrome; Alagille syndrome due to a NOTCH2 point mutation. Last evaluated: 2024-05-22. Review status: criteria provided, single submitter. Criteria: ACMG Guidelines, 2015. Collection method: clinical testing. Allele origin: germline.

Greenwood Genetic Center Diagnostic Laboratories, Greenwood Genetic Center
Classification: Uncertain significance. Last evaluated: 2022-02-21. Review status: criteria provided, single submitter. Criteria: ACMG Guidelines, 2015. Collection method: clinical testing. Allele origin: germline. Affected: yes.
Comment: BP4, PP2

NM_024408.4(NOTCH2):c.6160A>T (p.Met2054Leu)

Gene: NOTCH2 (notch receptor 2; minus strand). Cytogenetic location: 1p12.
Variant type: single nucleotide variant.
Coding change: c.6160A>T on transcript NM_024408.4 (MANE Select); coding-DNA position 6160, A replaced by T.
Protein change: p.Met2054Leu; replaces methionine 2054 with leucine.
Molecular consequence: missense variant.
Genome position (GRCh38, 1-based): chr1:119,916,562, T>A on the plus strand (A>T on the coding strand, the complement: NOTCH2 is on the minus strand). VCF-style: chr1-119916562-T-A. GRCh37 (hg19) VCF-style: chr1-120459185-T-A.
Other names: c.6160A>T (NM_024408.3); short protein forms M2054L.
Identifiers: ClinVar variation 1676452 (VCV001676452.5), dbSNP rs774262327, ClinGen allele CA1039473.